The following is an entry in ClinVar:

ClinVar aggregate classification (germline): Uncertain significance (1 of 4 stars; one submission).

gnomAD v4.1: 2 of 1,613,882 alleles (0.00012%); highest among the groups gnomAD compares: Admixed American, 0.0033%; no homozygotes.

Submission:

Labcorp Genetics (formerly Invitae), Labcorp
Classification: Uncertain significance. Last evaluated: 2025-04-11. Review status: criteria provided, single submitter. Criteria: Invitae Variant Classification Sherloc (09022015). Collection method: clinical testing. Allele origin: germline.
Comment: This sequence change replaces alanine, which is neutral and non-polar, with serine, which is neutral and polar, at codon 106 of the PHF21A protein (p.Ala106Ser). This variant is not present in population databases (gnomAD no frequency). This variant has not been reported in the literature in individuals affected with PHF21A-related conditions. Invitae Evidence Modeling of protein sequence and biophysical properties (such as structural, functional, and spatial information, amino acid conservation, physicochemical variation, residue mobility, and thermodynamic stability) indicates that this missense variant is not expected to disrupt PHF21A protein function with a negative predictive value of 80%. In summary, the available evidence is currently insufficient to determine the role of this variant in disease. Therefore, it has been classified as a Variant of Uncertain Significance.

NM_001352027.3(PHF21A):c.316G>T (p.Ala106Ser)

Gene: PHF21A (PHD finger protein 21A; minus strand). Cytogenetic location: 11p11.2.
Variant type: single nucleotide variant.
Coding change: c.316G>T on transcript NM_001352027.3 (MANE Select); coding-DNA position 316, G replaced by T.
Protein change: p.Ala106Ser; replaces alanine 106 with serine.
Molecular consequence: missense variant. On other transcripts: non-coding transcript variant (2).
Genome position (GRCh38, 1-based): chr11:45,979,804, C>A on the plus strand (G>T on the coding strand, the complement: PHF21A is on the minus strand). VCF-style: chr11-45979804-C-A. GRCh37 (hg19) VCF-style: chr11-46001355-C-A.
Other names: c.337G>T, p.Ala113Ser (NM_001441168.1, NM_001441169.1, NM_001441167.1); c.316G>T, p.Ala106Ser (NM_001441170.1, NM_001441171.1, NM_001441172.1 and 9 more transcripts); short protein forms A106S, A113S.
Identifiers: ClinVar variation 4698422 (VCV004698422.1).